The following is an entry in ClinVar:

ClinVar aggregate classification (germline): Uncertain significance (1 of 4 stars; one submission).

Conditions:
Hereditary cancer-predisposing syndrome. Also called: Neoplastic Syndromes, Hereditary; Tumor predisposition; Hereditary neoplastic syndrome; Hereditary Cancer Syndrome. Identifiers: Orphanet 140162, MedGen C0027672, MeSH D009386, MONDO:0015356.

Submission:

Color Diagnostics, LLC DBA Color Health
Classification: Uncertain significance for Hereditary cancer-predisposing syndrome. Last evaluated: 2023-12-05. Review status: criteria provided, single submitter. Criteria: ACMG Guidelines, 2015. Collection method: clinical testing. Allele origin: germline.
Comment: This missense variant replaces proline with arginine at codon 66 of the MSH6 protein. Computational prediction suggests that this variant may not impact protein structure and function (internally defined REVEL score threshold <= 0.5, PMID: 27666373). To our knowledge, functional studies have not been reported for this variant. This variant has not been reported in individuals affected with MSH6-related disorders in the literature. This variant has not been identified in the general population by the Genome Aggregation Database (gnomAD). The available evidence is insufficient to determine the role of this variant in disease conclusively. Therefore, this variant is classified as a Variant of Uncertain Significance.

NM_000179.3(MSH6):c.197C>G (p.Pro66Arg)

Gene: MSH6 (mutS homolog 6; plus strand). Cytogenetic location: 2p16.3.
Variant type: single nucleotide variant.
Coding change: c.197C>G on transcript NM_000179.3 (MANE Select); coding-DNA position 197, C replaced by G.
Protein change: p.Pro66Arg; replaces proline 66 with arginine.
Molecular consequence: missense variant. On other transcripts: 5 prime UTR variant (1).
Genome position (GRCh38, 1-based): chr2:47,783,430, C>G. VCF-style: chr2-47783430-C-G. GRCh37 (hg19) VCF-style: chr2-48010569-C-G.
Other names: c.197C>G, p.Pro66Arg (NM_001281492.2); c.-540C>G (NM_001281493.2); short protein forms P66R.
Identifiers: ClinVar variation 628631 (VCV000628631.5), dbSNP rs730881812, ClinGen allele CA346735035.